The following is an entry in ClinVar:

ClinVar aggregate classification (germline): Uncertain significance (1 of 4 stars; one submission).

gnomAD v4.1: 61 of 1,613,700 alleles (0.0038%); highest among the groups gnomAD compares: Non-Finnish European, 0.0045%; no homozygotes.

Submission:

Labcorp Genetics (formerly Invitae), Labcorp
Classification: Uncertain significance. Last evaluated: 2025-07-31. Review status: criteria provided, single submitter. Criteria: Invitae Variant Classification Sherloc (09022015). Collection method: clinical testing. Allele origin: germline.
Comment: This sequence change falls in intron 18 of the ERCC2 gene. It does not directly change the encoded amino acid sequence of the ERCC2 protein. This variant is present in population databases (rs200309890, gnomAD 0.01%). This variant has not been reported in the literature in individuals affected with ERCC2-related conditions. ClinVar contains an entry for this variant (Variation ID: 1907835). Algorithms developed to predict the effect of sequence changes on RNA splicing suggest that this variant may disrupt the consensus splice site. In summary, the available evidence is currently insufficient to determine the role of this variant in disease. Therefore, it has been classified as a Variant of Uncertain Significance.

NM_000400.4(ERCC2):c.1759-16G>A

Gene: ERCC2 (ERCC excision repair 2, TFIIH core complex helicase subunit; minus strand). Cytogenetic location: 19q13.32.
Variant type: single nucleotide variant.
Coding change: c.1759-16G>A on transcript NM_000400.4 (MANE Select); 16 bases into the intron before coding-DNA position 1759, G replaced by A.
Molecular consequence: intron variant.
Genome position (GRCh38, 1-based): chr19:45,353,171, C>T on the plus strand (G>A on the coding strand, the complement: ERCC2 is on the minus strand). VCF-style: chr19-45353171-C-T. GRCh37 (hg19) VCF-style: chr19-45856429-C-T.
Identifiers: ClinVar variation 1907835 (VCV001907835.4), dbSNP rs200309890, ClinGen allele CA9513094.